The following is an entry in ClinVar:

ClinVar aggregate classification (germline): Uncertain significance. Review status: criteria provided, multiple submitters, no conflicts (2 of 4 stars). 4 submissions from 4 submitters: Uncertain significance (4). Last evaluated 2024-10-30.

Conditions:
Hirschsprung disease, susceptibility to, 4. Identifiers: Orphanet 388, MedGen C3150975, MONDO:0013384, OMIM 613712.
Waardenburg syndrome type 4B (WS4B). Also called: WAARDENBURG SYNDROME, TYPE 4B, WITH HIRSCHSPRUNG DISEASE. Identifiers: Orphanet 897, MedGen C2750457, MONDO:0013201, OMIM 613265.

Allele frequency attached by ClinVar (database versions not stated): gnomAD 0.00005 and 0.00006; ExAC 0.00006; ESP Exome Variant Server 0.00008; gnomAD exomes 0.00008 and 0.00013; TOPMed 0.00009.
gnomAD v4.1: 200 of 1,611,064 alleles (0.012%); highest among the groups gnomAD compares: Non-Finnish European, 0.015%; no homozygotes.

Submissions (4):

Blueprint Genetics
Classification: Uncertain significance. Last evaluated: 2024-10-30. Review status: criteria provided, single submitter. Criteria: ACMG Guidelines, 2015. Collection method: clinical testing. Allele origin: germline.

Fulgent Genetics
Classification: Uncertain significance for Waardenburg syndrome type 4B; Hirschsprung disease, susceptibility to, 4. Last evaluated: 2022-02-15. Review status: criteria provided, single submitter. Criteria: ACMG Guidelines, 2015. Collection method: clinical testing. Allele origin: unknown.

GeneDx
Classification: Uncertain significance. Last evaluated: 2020-08-14. Review status: criteria provided, single submitter. Criteria: GeneDx Variant Classification Process June 2021. Collection method: clinical testing. Allele origin: germline. Affected: yes.
Comment: In silico analysis supports that this missense variant does not alter protein structure/function; Has not been previously published as pathogenic or benign to our knowledge

Illumina Laboratory Services, Illumina
Classification: Uncertain significance for Hirschsprung disease, susceptibility to, 4. Last evaluated: 2018-01-13. Review status: criteria provided, single submitter. Criteria: ICSL Variant Classification Criteria 13 December 2019. Collection method: clinical testing. Allele origin: germline.

NM_207034.3(EDN3):c.43T>G (p.Ser15Ala)

Gene: EDN3 (endothelin 3; plus strand). Cytogenetic location: 20q13.32.
Variant type: single nucleotide variant.
Coding change: c.43T>G on transcript NM_207034.3 (MANE Select); coding-DNA position 43, T replaced by G.
Protein change: p.Ser15Ala; replaces serine 15 with alanine.
Molecular consequence: missense variant.
Genome position (GRCh38, 1-based): chr20:59,300,855, T>G. VCF-style: chr20-59300855-T-G. GRCh37 (hg19) VCF-style: chr20-57875910-T-G.
Other names: c.43T>G, p.Ser15Ala (NM_001302455.2, NM_001302456.2, NM_207032.3 and 1 more transcripts); short protein forms S15A.
Identifiers: ClinVar variation 339121 (VCV000339121.9), dbSNP rs374697035, ClinGen allele CA9930235.